The following is an entry in ClinVar:

ClinVar aggregate classification (germline): Uncertain significance. Review status: criteria provided, multiple submitters, no conflicts (2 of 4 stars). 3 submissions from 3 submitters: Uncertain significance (3). Last evaluated 2024-04-04.

Conditions:
Progressive myoclonic epilepsy type 5. Identifiers: Orphanet 402082, MedGen C5190799.

Allele frequency attached by ClinVar (database versions not stated): ExAC 0.00001; gnomAD 0.00001; gnomAD exomes 0.00002; TOPMed 0.00003.
gnomAD v4.1: 10 of 1,614,130 alleles (0.00062%); highest among the groups gnomAD compares: Admixed American, 0.015%; no homozygotes.

Submissions (3):

Labcorp Genetics (formerly Invitae), Labcorp
Classification: Uncertain significance for Progressive myoclonic epilepsy type 5. Last evaluated: 2024-04-04. Review status: criteria provided, single submitter. Criteria: Invitae Variant Classification Sherloc (09022015). Collection method: clinical testing. Allele origin: germline.
Comment: This sequence change replaces glutamic acid, which is acidic and polar, with aspartic acid, which is acidic and polar, at codon 349 of the PRICKLE2 protein (p.Glu349Asp). This variant is present in population databases (rs776851070, gnomAD 0.01%). This variant has not been reported in the literature in individuals affected with PRICKLE2-related conditions. ClinVar contains an entry for this variant (Variation ID: 198632). Advanced modeling of protein sequence and biophysical properties (such as structural, functional, and spatial information, amino acid conservation, physicochemical variation, residue mobility, and thermodynamic stability) performed at Invitae indicates that this missense variant is not expected to disrupt PRICKLE2 protein function with a negative predictive value of 80%. In summary, the available evidence is currently insufficient to determine the role of this variant in disease. Therefore, it has been classified as a Variant of Uncertain Significance.

Ambry Genetics
Classification: Uncertain significance. Last evaluated: 2023-01-26. Review status: criteria provided, single submitter. Criteria: Ambry Variant Classification Scheme 2023. Collection method: clinical testing. Allele origin: germline.

Eurofins Ntd Llc (ga)
Classification: Uncertain significance. Last evaluated: 2015-03-31. Review status: criteria provided, single submitter. Criteria: EGL Classification Definitions 2015. Collection method: clinical testing. Allele origin: germline. Observed: 1 variant allele, 1 heterozygote.

NM_198859.4(PRICKLE2):c.1047G>T (p.Glu349Asp)

Gene: PRICKLE2 (prickle planar cell polarity protein 2; minus strand). Cytogenetic location: 3p14.1.
Variant type: single nucleotide variant.
Coding change: c.1047G>T on transcript NM_198859.4 (MANE Select); coding-DNA position 1047, G replaced by T.
Protein change: p.Glu349Asp; replaces glutamic acid 349 with aspartic acid.
Molecular consequence: missense variant.
Genome position (GRCh38, 1-based): chr3:64,147,443, C>A on the plus strand (G>T on the coding strand, the complement: PRICKLE2 is on the minus strand). VCF-style: chr3-64147443-C-A. GRCh37 (hg19) VCF-style: chr3-64133119-C-A.
Other names: c.1047G>T, p.Glu349Asp (NM_001370528.1); c.1047G>T (NM_198859.3); short protein forms E349D.
Identifiers: ClinVar variation 198632 (VCV000198632.12), dbSNP rs776851070, ClinGen allele CA247393.